The following is an entry in ClinVar:

ClinVar aggregate classification (germline): Uncertain significance. Review status: criteria provided, multiple submitters, no conflicts (2 of 4 stars). 2 submissions from 2 submitters: Uncertain significance (2). Last evaluated 2025-03-31.

Conditions:
Inborn genetic diseases. Identifiers: MedGen C0950123, MeSH D030342.

Allele frequency attached by ClinVar (database versions not stated): gnomAD 0.00001; ExAC 0.00002; ESP Exome Variant Server 0.00008.

Submissions (2):

Ambry Genetics
Classification: Uncertain significance for Inborn genetic diseases. Last evaluated: 2025-03-31. Review status: criteria provided, single submitter. Criteria: Ambry Variant Classification Scheme 2023. Collection method: clinical testing. Allele origin: germline.
Comment: The p.K1008T variant (also known as c.3023A>C), located in coding exon 1 of the SAMD9L gene, results from an A to C substitution at nucleotide position 3023. The lysine at codon 1008 is replaced by threonine, an amino acid with similar properties. This amino acid position is conserved. In addition, this alteration is predicted to be tolerated by in silico analysis. Based on the available evidence, the clinical significance of this variant remains unclear.

Labcorp Genetics (formerly Invitae), Labcorp
Classification: Uncertain significance. Last evaluated: 2022-11-18. Review status: criteria provided, single submitter. Criteria: Invitae Variant Classification Sherloc (09022015). Collection method: clinical testing. Allele origin: germline.
Comment: This sequence change replaces lysine, which is basic and polar, with threonine, which is neutral and polar, at codon 1008 of the SAMD9L protein (p.Lys1008Thr). This variant is present in population databases (rs374191933, gnomAD 0.002%). This variant has not been reported in the literature in individuals affected with SAMD9L-related conditions. Advanced modeling of protein sequence and biophysical properties (such as structural, functional, and spatial information, amino acid conservation, physicochemical variation, residue mobility, and thermodynamic stability) performed at Invitae indicates that this missense variant is not expected to disrupt SAMD9L protein function. In summary, the available evidence is currently insufficient to determine the role of this variant in disease. Therefore, it has been classified as a Variant of Uncertain Significance.

NM_152703.5(SAMD9L):c.3023A>C (p.Lys1008Thr)

Gene: SAMD9L (sterile alpha motif domain containing 9 like; minus strand). Cytogenetic location: 7q21.2.
Variant type: single nucleotide variant.
Coding change: c.3023A>C on transcript NM_152703.5 (MANE Select); coding-DNA position 3023, A replaced by C.
Protein change: p.Lys1008Thr; replaces lysine 1008 with threonine.
Molecular consequence: missense variant.
Genome position (GRCh38, 1-based): chr7:93,132,949, T>G on the plus strand (A>C on the coding strand, the complement: SAMD9L is on the minus strand). VCF-style: chr7-93132949-T-G. GRCh37 (hg19) VCF-style: chr7-92762262-T-G.
Other names: c.3023A>C, p.Lys1008Thr (NM_001303498.3, NM_001303500.3, NM_001350082.2 and 5 more transcripts); c.3023A>C (NM_152703.2); short protein forms K1008T.
Identifiers: ClinVar variation 2874126 (VCV002874126.4), dbSNP rs374191933, ClinGen allele CA4343521.